The following is an entry in ClinVar:

NM_004859.4(CLTC):c.4744G>A (p.Val1582Ile)

Gene: CLTC (clathrin heavy chain; plus strand). Cytogenetic location: 17q23.1.
Variant type: single nucleotide variant.
Coding change: c.4744G>A on transcript NM_004859.4 (MANE Select); coding-DNA position 4744, G replaced by A.
Protein change: p.Val1582Ile; replaces valine 1582 with isoleucine.
Molecular consequence: missense variant.
Genome position (GRCh38, 1-based): chr17:59,685,725, G>A. VCF-style: chr17-59685725-G-A. GRCh37 (hg19) VCF-style: chr17-57763086-G-A.
Other names: c.4744G>A (NM_004859.3); c.4756G>A, p.Val1586Ile (NM_001288653.2); short protein forms V1586I, V1582I.
Identifiers: ClinVar variation 1440528 (VCV001440528.7), dbSNP rs780462309, ClinGen allele CA8681794.
Genomic context (GRCh38, chr17:59,685,725, plus strand): 5'-AAAAGAGAGTGCTTTGGAGCTTGTCTGTTTACCTGTTACGATCTTTTAAGGCCAGATGTC[G>A]TCCTAGAAACTGCATGGAGGCACAATATCATGGATTTTGCCATGCCCTATTTCATCCAGG-3'
Protein context (NP_004850.1, residues 1572-1592): TCYDLLRPDV[Val1582Ile]LETAWRHNIM

ClinVar aggregate classification (germline): Uncertain significance. Review status: criteria provided, multiple submitters, no conflicts (2 of 4 stars). 2 submissions from 2 submitters: Uncertain significance (2). Last evaluated 2024-10-01.

Conditions:
Inborn genetic diseases. Identifiers: MedGen C0950123, MeSH D030342.

Allele frequency attached by ClinVar (database versions not stated): TOPMed below 0.00001; ExAC 0.00001; gnomAD 0.00001; gnomAD exomes 0.00001 and 0.00002.
gnomAD v4.1: 26 of 1,613,928 alleles (0.0016%); highest among the groups gnomAD compares: Non-Finnish European, 0.0021%; no homozygotes.

Submissions (2):

Ambry Genetics
Classification: Uncertain significance for Inborn genetic diseases. Last evaluated: 2024-10-01. Review status: criteria provided, single submitter. Criteria: Ambry Variant Classification Scheme 2023. Collection method: clinical testing. Allele origin: germline.

Labcorp Genetics (formerly Invitae), Labcorp
Classification: Uncertain significance. Last evaluated: 2024-07-16. Review status: criteria provided, single submitter. Criteria: Invitae Variant Classification Sherloc (09022015). Collection method: clinical testing. Allele origin: germline.
Comment: This sequence change replaces valine, which is neutral and non-polar, with isoleucine, which is neutral and non-polar, at codon 1586 of the CLTC protein (p.Val1586Ile). This variant is present in population databases (rs780462309, gnomAD 0.003%). This variant has not been reported in the literature in individuals affected with CLTC-related conditions. ClinVar contains an entry for this variant (Variation ID: 1440528). Advanced modeling of protein sequence and biophysical properties (such as structural, functional, and spatial information, amino acid conservation, physicochemical variation, residue mobility, and thermodynamic stability) performed at Invitae indicates that this missense variant is not expected to disrupt CLTC protein function with a negative predictive value of 80%. In summary, the available evidence is currently insufficient to determine the role of this variant in disease. Therefore, it has been classified as a Variant of Uncertain Significance.